The following is an entry in ClinVar:

NM_000092.5(COL4A4):c.3115G>A (p.Gly1039Arg)

Gene: COL4A4 (collagen type IV alpha 4 chain; minus strand). Cytogenetic location: 2q36.3.
Variant type: single nucleotide variant.
Coding change: c.3115G>A on transcript NM_000092.5 (MANE Select); coding-DNA position 3115, G replaced by A.
Protein change: p.Gly1039Arg; replaces glycine 1039 with arginine.
Molecular consequence: missense variant.
Genome position (GRCh38, 1-based): chr2:227,051,012, C>T on the plus strand (G>A on the coding strand, the complement: COL4A4 is on the minus strand). VCF-style: chr2-227051012-C-T. GRCh37 (hg19) VCF-style: chr2-227915728-C-T.
Other names: short protein forms G1039R.
Identifiers: ClinVar variation 2088360 (VCV002088360.4), dbSNP rs1245186753, ClinGen allele CA350839005.
Genomic context (GRCh38, chr2:227,051,012, plus strand): 5'-CCCCCACAAAGCAGTAGCCCCTTACCTGGTCACCTGGAAGTCCTGGAAAACCAATGAACC[C>T]TCTTAGACCAGTTGAGCCTGGAGGGCCTGGGGGTCCAGGAGGCCCTGGCTGACCTTTCTC-3'
Protein context (NP_000083.3, residues 1029-1049): PGPPGSTGLR[Gly1039Arg]FIGFPGLPGD

ClinVar aggregate classification (germline): Uncertain significance (1 of 4 stars; one submission).

Allele frequency attached by ClinVar (database versions not stated): TOPMed below 0.00001; gnomAD 0.00001.
gnomAD v4.1: 1 of 1,614,118 alleles (0.000062%); highest among the groups gnomAD compares: Non-Finnish European, 0.000085%; no homozygotes.

Submission:

Labcorp Genetics (formerly Invitae), Labcorp
Classification: Uncertain significance. Last evaluated: 2022-11-01. Review status: criteria provided, single submitter. Criteria: Invitae Variant Classification Sherloc (09022015). Collection method: clinical testing. Allele origin: germline.
Comment: This sequence change replaces glycine, which is neutral and non-polar, with arginine, which is basic and polar, at codon 1039 of the COL4A4 protein (p.Gly1039Arg). This variant is not present in population databases (gnomAD no frequency). This variant has not been reported in the literature in individuals affected with COL4A4-related conditions. Advanced modeling of protein sequence and biophysical properties (such as structural, functional, and spatial information, amino acid conservation, physicochemical variation, residue mobility, and thermodynamic stability) performed at Invitae indicates that this missense variant is expected to disrupt COL4A4 protein function. In summary, the available evidence is currently insufficient to determine the role of this variant in disease. Therefore, it has been classified as a Variant of Uncertain Significance.